The following is an entry in ClinVar:

ClinVar aggregate classification (germline): Likely benign. Review status: criteria provided, multiple submitters, no conflicts (2 of 4 stars). 5 submissions from 5 submitters: Likely benign (5). Last evaluated 2026-01-25.

Conditions:
Chédiak-Higashi syndrome (CHS). Also called: Chediak-Higashi Syndrome. Identifiers: Orphanet 167, MedGen C0007965, MONDO:0008963, OMIM 214500.

Allele frequency attached by ClinVar (database versions not stated): gnomAD exomes 0.00061; ExAC 0.00078; gnomAD 0.00223 and 0.00238; 1000 Genomes Project 30x 0.00234; 1000 Genomes Project 0.00240; TOPMed 0.00258; ESP Exome Variant Server 0.00284.
gnomAD v4.1: 672 of 1,614,052 alleles (0.042%); highest among the groups gnomAD compares: African/African-American, 0.8%; 2 homozygotes.

Submissions (5):

Labcorp Genetics (formerly Invitae), Labcorp
Classification: Likely benign for Chédiak-Higashi syndrome. Last evaluated: 2026-01-25. Review status: criteria provided, single submitter. Criteria: Invitae Variant Classification Sherloc (09022015). Collection method: clinical testing. Allele origin: germline.

Mayo Clinic Laboratories, Mayo Clinic
Classification: Likely benign. Last evaluated: 2025-02-19. Review status: criteria provided, single submitter. Criteria: ACMG Guidelines, 2015. Collection method: clinical testing. Allele origin: germline. Observed: 5 variant alleles.
Comment: BS1, BP4

Blueprint Genetics
Classification: Likely benign. Last evaluated: 2024-09-18. Review status: criteria provided, single submitter. Criteria: ACMG Guidelines, 2015. Collection method: clinical testing. Allele origin: germline.

CeGaT Center for Human Genetics Tuebingen
Classification: Likely benign. Last evaluated: 2024-01-01. Review status: criteria provided, single submitter. Criteria: CeGaT Center For Human Genetics Tuebingen Variant Classification Criteria Version 2. Collection method: clinical testing. Allele origin: germline. Affected: yes. Observed: 1 variant allele.
Comment: LYST: BP4

Genetic Services Laboratory, University of Chicago
Classification: Likely benign. Last evaluated: 2020-04-13. Review status: criteria provided, single submitter. Criteria: ACMG Guidelines, 2015. Collection method: clinical testing. Allele origin: germline. Affected: no.

Literature cited by the submitters: PubMed 24044690 (cited by Mayo Clinic Laboratories, Mayo Clinic).

NM_000081.4(LYST):c.597C>G (p.Asp199Glu)

Gene: LYST (lysosomal trafficking regulator; minus strand). Cytogenetic location: 1q42.3.
Variant type: single nucleotide variant.
Coding change: c.597C>G on transcript NM_000081.4 (MANE Select); coding-DNA position 597, C replaced by G.
Protein change: p.Asp199Glu; replaces aspartic acid 199 with glutamic acid.
Molecular consequence: missense variant.
Genome position (GRCh38, 1-based): chr1:235,810,221, G>C on the plus strand (C>G on the coding strand, the complement: LYST is on the minus strand). VCF-style: chr1-235810221-G-C. GRCh37 (hg19) VCF-style: chr1-235973521-G-C.
Other names: p.Asp199Glu; c.597C>G, p.Asp199Glu (NM_001301365.1); short protein forms D199E.
Identifiers: ClinVar variation 525183 (VCV000525183.41), dbSNP rs112127610, ClinGen allele CA1467597.